The following is an entry in ClinVar:

NM_006767.4(LZTR1):c.1850del (p.Phe617fs)

Gene: LZTR1 (leucine zipper like post translational regulator 1; plus strand). Cytogenetic location: 22q11.21.
Variant type: Deletion.
Coding change: c.1850del on transcript NM_006767.4 (MANE Select); coding-DNA position 1850, one base deleted (T; older notation c.1850delT).
Protein change: p.Phe617fs; shifts the reading frame from phenylalanine 617.
Molecular consequence: frameshift variant.
Genome position (GRCh38, 1-based): chr22:20,994,934, T deleted; the last of 2 consecutive T bases (chr22:20,994,933-20,994,934); deleting either gives the same sequence. VCF-style (leftmost placement, unchanged base first): chr22-20994932-GT-G. GRCh37 (hg19) VCF-style: chr22-21349221-GT-G.
Other names: short protein forms F617fs.
Identifiers: ClinVar variation 4101863 (VCV004101863.1).

ClinVar aggregate classification (germline): Pathogenic (1 of 4 stars; one submission).

Conditions:
Cardiovascular phenotype. Identifiers: MedGen CN230736.
Hereditary cancer-predisposing syndrome. Also called: Tumor predisposition; Neoplastic Syndromes, Hereditary; Hereditary neoplastic syndrome; Hereditary Cancer Syndrome. Identifiers: Orphanet 140162, MedGen C0027672, MeSH D009386, MONDO:0015356.

Submission:

Ambry Genetics
Classification: Pathogenic for Cardiovascular phenotype; Hereditary cancer-predisposing syndrome. Last evaluated: 2025-07-01. Review status: criteria provided, single submitter. Criteria: Ambry Variant Classification Scheme 2023. Collection method: clinical testing. Allele origin: germline.
Comment: The c.1850delT pathogenic mutation, located in coding exon 16 of the LZTR1 gene, results from a deletion of one nucleotide at nucleotide position 1850, causing a translational frameshift with a predicted alternate stop codon (p.F617Sfs*8). This alteration is expected to result in loss of function by premature protein truncation or nonsense-mediated mRNA decay. Loss-of-function variants in LZTR1 are related to an increased risk for schwannomas and autosomal recessive Noonan syndrome; however, such associations with autosomal dominant Noonan syndrome have not been observed (Piotrowski A et al. Nat Genet. 2014 Feb;46:182-7; Yamamoto GL et al. J Med Genet. 2015 Jun;52:413-21; Johnston JJ et al. Genet Med. 2018 10;20:1175-1185). Based on the supporting evidence, this variant is pathogenic for an increased risk of LZTR1-related schwannomatosis (SWN) and would be expected to cause autosomal recessive Noonan syndrome when present along with a second pathogenic or likely pathogenic variant on the other allele; however, the association of this alteration with autosomal dominant Noonan syndrome is unlikely.